The following is an entry in ClinVar:

ClinVar aggregate classification (germline): Uncertain significance. Review status: criteria provided, multiple submitters, no conflicts (2 of 4 stars). 2 submissions from 2 submitters: Uncertain significance (2). Last evaluated 2018-01-13.

Conditions:
Autosomal dominant nonsyndromic hearing loss 25. Identifiers: Orphanet 90635, MedGen C1854158, MONDO:0011568, OMIM 605583.

Allele frequency attached by ClinVar (database versions not stated): ExAC 0.00001; gnomAD 0.00001 and 0.00002; gnomAD exomes 0.00001; TOPMed 0.00003.
gnomAD v4.1: 13 of 1,613,990 alleles (0.00081%); highest among the groups gnomAD compares: South Asian, 0.0033%; no homozygotes.

Submissions (2):

Illumina Laboratory Services, Illumina
Classification: Uncertain significance for Autosomal dominant nonsyndromic hearing loss 25. Last evaluated: 2018-01-13. Review status: criteria provided, single submitter. Criteria: ICSL Variant Classification Criteria 13 December 2019. Collection method: clinical testing. Allele origin: germline.

GeneDx
Classification: Uncertain significance. Last evaluated: 2017-10-12. Review status: criteria provided, single submitter. Criteria: GeneDx Variant Classification (06012015). Collection method: clinical testing. Allele origin: germline. Affected: yes.
Comment: The T57M variant in the SLC17A8 gene has not been reported previously as a pathogenic variant, nor as a benign variant, to our knowledge. This variant is observed in 1/33582 (0.003%) alleles from individuals of Latino background in the ExAC dataset (Lek et al., 2016). The T57M variant is a non-conservative amino acid substitution, which is likely to impact secondary protein structure as these residues differ in polarity, charge, size and/or other properties. This substitution occurs at a position that is not conserved. In silico analysis is inconsistent in its predictions as to whether or not the variant is damaging to the protein structure/function. We interpret T57M as a variant of uncertain significance.

NM_139319.3(SLC17A8):c.170C>T (p.Thr57Met)

Gene: SLC17A8 (solute carrier family 17 member 8; plus strand). Cytogenetic location: 12q23.1.
Variant type: single nucleotide variant.
Coding change: c.170C>T on transcript NM_139319.3 (MANE Select); coding-DNA position 170, C replaced by T.
Protein change: p.Thr57Met; replaces threonine 57 with methionine.
Molecular consequence: missense variant.
Genome position (GRCh38, 1-based): chr12:100,380,769, C>T. VCF-style: chr12-100380769-C-T. GRCh37 (hg19) VCF-style: chr12-100774547-C-T.
Other names: c.170C>T, p.Thr57Met (NM_001145288.2); short protein forms T57M.
Identifiers: ClinVar variation 452551 (VCV000452551.6), dbSNP rs773887574, ClinGen allele CA6738683.